The following is an entry in ClinVar:

ClinVar aggregate classification (germline): Pathogenic (1 of 4 stars; one submission).

Submission:

Labcorp Genetics (formerly Invitae), Labcorp
Classification: Pathogenic. Last evaluated: 2021-01-08. Review status: criteria provided, single submitter. Criteria: Invitae Variant Classification Sherloc (09022015). Collection method: clinical testing. Allele origin: germline.
Comment: For these reasons, this variant has been classified as Pathogenic. This variant has not been reported in the literature in individuals with ASAH1-related conditions. This variant is a gross deletion of the genomic region encompassing exon(s) 1 of the ASAH1 gene, which includes the initiator codon. The 5' end of this event is unknown as it extends beyond the assayed region for this gene and therefore may encompass additional genes. The 3' boundary is likely confined to intron 1 of the ASAH1 gene. It is expected to result in an absent or disrupted protein product. Loss-of-function variants in ASAH1 are known to be pathogenic (PMID: 24164096, 24355074).

Literature cited by the submitters: PubMed 24164096; PubMed 24355074.

NC_000008.10:g.(?_17941470)_(17941567_?)del

Gene: ASAH1 (N-acylsphingosine amidohydrolase 1; minus strand). Cytogenetic location: 8p22.
Variant type: Deletion.
Identifiers: ClinVar variation 1457179 (VCV001457179.4).